The following is an entry in ClinVar:

NM_000138.5(FBN1):c.493C>T (p.Arg165Ter)

Gene: FBN1 (fibrillin 1; minus strand). Cytogenetic location: 15q21.1.
Variant type: single nucleotide variant.
Coding change: c.493C>T on transcript NM_000138.5 (MANE Select); coding-DNA position 493, C replaced by T.
Protein change: p.Arg165Ter; replaces arginine 165 with a stop codon.
Molecular consequence: nonsense.
Genome position (GRCh38, 1-based): chr15:48,596,328, G>A on the plus strand (C>T on the coding strand, the complement: FBN1 is on the minus strand). VCF-style: chr15-48596328-G-A. GRCh37 (hg19) VCF-style: chr15-48888525-G-A.
Other names: short protein forms R165*.
Identifiers: ClinVar variation 42373 (VCV000042373.25), dbSNP rs113905529, ClinGen allele CA015483.

ClinVar aggregate classification (germline): Pathogenic/Likely pathogenic. Review status: criteria provided, multiple submitters, no conflicts (2 of 4 stars). 9 submissions from 9 submitters: Pathogenic (7); Likely pathogenic (2). Last evaluated 2026-02-24.

Conditions:
Isolated thoracic aortic aneurysm.
Cardiovascular phenotype. Identifiers: MedGen CN230736.
Marfan syndrome (MFS). Also called: FBN1-Related Marfan Syndrome; Marfan syndrome, classic; MARFAN SYNDROME, TYPE I; Marfan syndrome type 1; Marfan's syndrome. Identifiers: Orphanet 284963, Orphanet 558, MedGen C0024796, MONDO:0007947, OMIM 154700.
Familial thoracic aortic aneurysm and aortic dissection (TAAD). Also called: Thoracic aortic aneurysms and dissections. Identifiers: Orphanet 91387, MedGen C4707243, MONDO:0019625.
FBN1-related disorder. Also called: FBN1-related disorders.

Submissions (9):

Molecular Diagnostic Laboratory for Inherited Cardiovascular Disease, Montreal Heart Institute
Classification: Pathogenic for Cardiovascular phenotype. Last evaluated: 2026-02-24. Review status: criteria provided, single submitter. Criteria: ACMG Guidelines, 2015. Collection method: clinical testing. Allele origin: germline. Affected: yes.
Comment: PVS1, PS4_mod, PM2, PP4

3billion
Classification: Pathogenic for Marfan syndrome. Last evaluated: 2026-01-28. Review status: criteria provided, single submitter. Criteria: ACMG Guidelines, 2015. Collection method: clinical testing. Allele origin: germline. Affected: yes.
Comment: The variant is not observed in the gnomAD v4.1.0 dataset. Predicted Consequence/Location: Stop-gained (nonsense): predicted to result in a loss or disruption of normal protein function through nonsense-mediated decay (NMD) or protein truncation. Multiple pathogenic variants are reported downstream of the variant. The variant has been reported at least twice as pathogenic with clinical assertions and evidence for the classification (ClinVar ID: VCV000042373 /PMID: 16220557 /3billion dataset). Therefore, this variant is classified as Pathogenic according to the recommendation of ACMG/AMP guideline.

Ambry Genetics
Classification: Pathogenic for Familial thoracic aortic aneurysm and aortic dissection. Last evaluated: 2024-12-24. Review status: criteria provided, single submitter. Criteria: Ambry Variant Classification Scheme 2023. Collection method: clinical testing. Allele origin: germline.
Comment: The p.R165* pathogenic mutation (also known as c.493C>T), located in coding exon 5 of the FBN1 gene, results from a C to T substitution at nucleotide position 493. This changes the amino acid from an arginine to a stop codon within coding exon 5. This alteration has been previously reported in individuals with clinical features of Marfan syndrome (Rommel K et al. Hum Mutat. 2005;26(6):529-39; Rybczynski M et al. Am J Med Genet. 2008;146A(24):3157-66; S&ouml;ylen B et al. Clin Genet. 2009;75(3):265-70). This variant is considered to be rare based on population cohorts in the Genome Aggregation Database (gnomAD). In addition to the clinical data presented in the literature, this alteration is expected to result in loss of function by premature protein truncation or nonsense-mediated mRNA decay. As such, this alteration is interpreted as a disease-causing mutation.

Blueprint Genetics
Classification: Pathogenic for FBN1-related disorders. Last evaluated: 2024-09-19. Review status: criteria provided, single submitter. Criteria: ACMG Guidelines, 2015. Collection method: clinical testing. Allele origin: germline. Affected: yes. Observed: 4 variant alleles.

Labcorp Genetics (formerly Invitae), Labcorp
Classification: Pathogenic for Marfan syndrome; Familial thoracic aortic aneurysm and aortic dissection. Last evaluated: 2023-12-28. Review status: criteria provided, single submitter. Criteria: Invitae Variant Classification Sherloc (09022015). Collection method: clinical testing. Allele origin: germline.
Comment: This sequence change creates a premature translational stop signal (p.Arg165*) in the FBN1 gene. It is expected to result in an absent or disrupted protein product. Loss-of-function variants in FBN1 are known to be pathogenic (PMID: 17657824, 19293843). This variant is not present in population databases (gnomAD no frequency). This premature translational stop signal has been observed in individuals with Marfan syndrome (PMID: 16220557, 19159394, 25101912). ClinVar contains an entry for this variant (Variation ID: 42373). For these reasons, this variant has been classified as Pathogenic.

GeneDx
Classification: Pathogenic. Last evaluated: 2022-06-01. Review status: criteria provided, single submitter. Criteria: GeneDx Variant Classification Process June 2021. Collection method: clinical testing. Allele origin: germline. Affected: yes.
Comment: Nonsense variant predicted to result in protein truncation or nonsense mediated decay in a gene for which loss of function is a known mechanism of disease; Not observed at significant frequency in large population cohorts (gnomAD); This variant is associated with the following publications: (PMID: 19012347, 25525159, 16220557, 25101912, 31279664, 31536524, 29357934, 33824467, 31098894, 19159394)

CHEO Genetics Diagnostic Laboratory, Children's Hospital of Eastern Ontario
Classification: Likely pathogenic for Familial thoracic aortic aneurysm and aortic dissection. Last evaluated: 2018-10-04. Review status: criteria provided, single submitter. Criteria: ACMG Guidelines, 2015. Collection method: clinical testing. Allele origin: germline.

Department of Vascular Biology, Beijing Anzhen Hospital
Classification: Likely pathogenic for Isolated thoracic aortic aneurysm. Last evaluated: 2018-09-01. Review status: criteria provided, single submitter. Criteria: ACMG Guidelines, 2015. Collection method: research. Allele origin: germline. Affected: yes.

Laboratory for Molecular Medicine, Mass General Brigham Personalized Medicine
Classification: Pathogenic for Marfan syndrome. Last evaluated: 2012-03-22. Review status: criteria provided, single submitter. Criteria: LMM Criteria. Collection method: clinical testing. Allele origin: germline. Observed: 6 variant alleles.
Comment: The Arg165X variant has previously been reported in 3 individuals with clinical features of Marfan syndrome (Rybczynski 2008, Rommel 2005, Soylen 2009). In addi tion, this variant has been identified in 3 other unrelated probands tested by o ur laboratory and cosegregates with clinical features in two families. This nons ense variant leads to a premature termination codon at position 165, which is pr edicted to lead to a truncated or absent protein. In summary, this variant meets our criteria to be classified as pathogenic bas ed upon predicted effect on the protein, presence in symptomatic individuals and segregation in symptomatic family members.

Literature cited by the submitters: PubMed 16220557 (cited by 4 submitters); PubMed 19012347 (cited by Ambry Genetics and Laboratory for Molecular Medicine, Mass General Brigham Personalized Medicine); PubMed 19159394 (cited by 3 submitters); PubMed 29357934 (cited by Ambry Genetics); PubMed 31098894 (cited by Ambry Genetics); PubMed 31279664 (cited by Ambry Genetics); PubMed 17657824 (cited by Labcorp Genetics (formerly Invitae), Labcorp); PubMed 19293843 (cited by Labcorp Genetics (formerly Invitae), Labcorp); PubMed 25101912 (cited by Labcorp Genetics (formerly Invitae), Labcorp).